The following is an entry in ClinVar:

ClinVar aggregate classification (germline): Uncertain significance. Review status: criteria provided, multiple submitters, no conflicts (2 of 4 stars). 3 submissions from 3 submitters: Uncertain significance (3). Last evaluated 2026-04-14.

Conditions:
Familial intrahepatic cholestasis. Identifiers: Orphanet 284385, MedGen CN296401, MONDO:0017290.
Progressive familial intrahepatic cholestasis (PFIC). Also called: Progressive family intrahepatic cholestasis; Progressive intrahepatic cholestasis. Identifiers: Orphanet 172, MedGen C0268312, MONDO:0015762.
Progressive familial intrahepatic cholestasis type 2. Identifiers: Orphanet 79304, MedGen C3489789, MONDO:0011156, OMIM 601847.

Allele frequency attached by ClinVar (database versions not stated): gnomAD exomes below 0.00001.
gnomAD v4.1: 2 of 1,602,306 alleles (0.00012%); highest among the groups gnomAD compares: Non-Finnish European, 0.00017%; no homozygotes.

Submissions (3):

Genomenon, Inc
Classification: Uncertain significance for Familial intrahepatic cholestasis. Last evaluated: 2026-04-14. Review status: criteria provided, single submitter. Criteria: Genomenon Sequence Variant Interpretation Standards - Updated. Collection method: curation. Allele origin: germline. Affected: yes.
Comment: ABCB11 p.Gly1118Ser (c.3352G>A) is a missense variant that changes the amino acid at residue 1118 from Glycine to Serine. This variant has been observed in at least one proband with an ABCB11-related disorder (PMID:36995996;35780807;31319225). It is absent or not present at a significant frequency in gnomAD. In silico models predict that this variant is possibly or probably damaging. In conclusion, we classify ABCB11 p.Gly1118Ser (c.3352G>A) as a variant of uncertain significance.

Broad Center for Mendelian Genomics, Broad Institute of MIT and Harvard
Classification: Uncertain significance for Progressive familial intrahepatic cholestasis. Last evaluated: 2025-02-05. Review status: criteria provided, single submitter. Criteria: ACMG Guidelines, 2015. Collection method: curation. Allele origin: germline. Inheritance: Autosomal recessive inheritance.
Comment: The p.Gly1118Ser variant in ABCB11 has been reported, in the compound heterozygous state, in one individual with BSEP deficiency (Variation ID: 6590; PMID: 31319225), and has been identified in 0.0002% (2/1172004) in European (non-Finnish) chromosomes by the Genome Aggregation Database (gnomAD; dbSNP rs1574398620). Although this variant has been seen in the general population in a heterozygous state, its frequency is low enough to be consistent with a recessive carrier frequency. Computational prediction tools and conservation analyses suggest that this variant may impact the protein, though this information is not predictive enough to determine pathogenicity. In summary, the clinical significance of the p.Gly1118Ser variant is uncertain. ACMG/AMP Criteria applied: PP3_moderate, PM2_supporting, PM3_supporting (Richards 2015).

Ege University Pediatric Genetics, Ege University
Classification: Uncertain significance for Cholestasis, progressive familial intrahepatic 2. Last evaluated: 2019-05-15. Review status: criteria provided, single submitter. Criteria: ACMG Guidelines, 2015. Collection method: clinical testing. Allele origin: germline. Affected: yes.

Literature cited by the submitters: PubMed 36995996 (cited by Genomenon, Inc); PubMed 35780807 (cited by Genomenon, Inc); PubMed 31319225 (cited by Genomenon, Inc and Ege University Pediatric Genetics, Ege University).

NM_003742.4(ABCB11):c.3352G>A (p.Gly1118Ser)

Gene: ABCB11 (ATP binding cassette subfamily B member 11; minus strand). Cytogenetic location: 2q31.1.
Variant type: single nucleotide variant.
Coding change: c.3352G>A on transcript NM_003742.4 (MANE Select); coding-DNA position 3352, G replaced by A.
Protein change: p.Gly1118Ser; replaces glycine 1118 with serine.
Molecular consequence: missense variant.
Genome position (GRCh38, 1-based): chr2:168,930,724, C>T on the plus strand (G>A on the coding strand, the complement: ABCB11 is on the minus strand). VCF-style: chr2-168930724-C-T. GRCh37 (hg19) VCF-style: chr2-169787234-C-T.
Other names: NM_003742.4(ABCB11):c.3352G>A; p.Gly1118Ser; c.3352G>A, p.Gly1118Ser (LRG_1199t1); short protein forms G1118S.
Identifiers: ClinVar variation 635345 (VCV000635345.3), dbSNP rs1574398620, ClinGen allele CA349121183.